The following is an entry in ClinVar:

NM_000158.4(GBE1):c.1612_1613del (p.Phe538fs)

Gene: GBE1 (1,4-alpha-glucan branching enzyme 1; minus strand). Cytogenetic location: 3p12.2.
Variant type: Deletion.
Coding change: c.1612_1613del on transcript NM_000158.4 (MANE Select); coding-DNA positions 1612 to 1613, 2 bases deleted (TT; older notation c.1612_1613delTT).
Protein change: p.Phe538fs; shifts the reading frame from phenylalanine 538.
Molecular consequence: frameshift variant.
Genome position (GRCh38, 1-based): chr3:81,577,930-81,577,931, AA deleted on the plus strand (TT on the coding strand, the reverse complement: GBE1 is on the minus strand); deleting any 2 consecutive bases within chr3:81,577,930-81,577,932 gives the same sequence; the c. name uses the placement nearest the transcript's 3' end. VCF-style (leftmost placement, unchanged base first): chr3-81577929-GAA-G. GRCh37 (hg19) VCF-style: chr3-81627080-GAA-G.
Other names: short protein forms F538fs.
Identifiers: ClinVar variation 5014108 (VCV005014108.1).

ClinVar aggregate classification (germline): Pathogenic (1 of 4 stars; one submission).

Conditions:
Glycogen storage disease, type IV (GSD4). Also called: AMYLOPECTINOSIS; ANDERSEN DISEASE; BRANCHER DEFICIENCY; CIRRHOSIS, FAMILIAL, WITH DEPOSITION OF ABNORMAL GLYCOGEN; GBE1 DEFICIENCY; GLYCOGEN BRANCHING ENZYME DEFICIENCY. Identifiers: Orphanet 367, MedGen C0017923, MONDO:0009292, OMIM 232500.

Submission:

Myriad Genetics, Inc.
Classification: Pathogenic for Glycogen storage disease, type IV. Last evaluated: 2025-02-18. Review status: criteria provided, single submitter. Criteria: Myriad Autosomal Dominant, Autosomal Recessive and X-Linked Classification Criteria (2023). Collection method: clinical testing. Allele origin: unknown.
Comment: NM_000158.3(GBE1):c.1612_1613delTT(F538Hfs*3) is expected to be pathogenic in the context of glycogen storage disease, GBE1-related. This variant is predicted to lead to an abnormal or absent protein product due to the creation of a premature termination codon in GBE1, a gene where loss-of-function variants are known to be pathogenic. Please note: this variant was assessed in the context of healthy population screening.